The following is an entry in ClinVar:

ClinVar aggregate classification (germline): Uncertain significance (1 of 4 stars; one submission).

Conditions:
FG syndrome (FGS). Identifiers: MedGen C0220769, MONDO:0002010.

Submission:

Labcorp Genetics (formerly Invitae), Labcorp
Classification: Uncertain significance for FG syndrome. Last evaluated: 2020-02-21. Review status: criteria provided, single submitter. Criteria: Invitae Variant Classification Sherloc (09022015). Collection method: clinical testing. Allele origin: germline.
Comment: This sequence change replaces alanine with threonine at codon 1960 of the MED12 protein (p.Ala1960Thr). The alanine residue is moderately conserved and there is a small physicochemical difference between alanine and threonine. This variant is not present in population databases (ExAC no frequency). This variant has not been reported in the literature in individuals with MED12-related conditions. Algorithms developed to predict the effect of missense changes on protein structure and function are either unavailable or do not agree on the potential impact of this missense change (SIFT: "Deleterious"; PolyPhen-2: "Benign"; Align-GVGD: "Class C0"). In summary, the available evidence is currently insufficient to determine the role of this variant in disease. Therefore, it has been classified as a Variant of Uncertain Significance.

NM_005120.3(MED12):c.5878G>A (p.Ala1960Thr)

Gene: MED12 (mediator complex subunit 12; plus strand). Cytogenetic location: Xq13.1.
Variant type: single nucleotide variant.
Coding change: c.5878G>A on transcript NM_005120.3 (MANE Select); coding-DNA position 5878, G replaced by A.
Protein change: p.Ala1960Thr; replaces alanine 1960 with threonine.
Molecular consequence: missense variant.
Genome position (GRCh38, 1-based): chrX:71,137,777, G>A. VCF-style: chrX-71137777-G-A. GRCh37 (hg19) VCF-style: chrX-70357627-G-A.
Other names: short protein forms A1960T.
Identifiers: ClinVar variation 859514 (VCV000859514.12), dbSNP rs2092336411, ClinGen allele CA413539123.
Genomic context (GRCh38, chrX:71,137,777, plus strand): 5'-TCCCTCCAGGGCTATACTCCTTATGTTTCTCATGTGGGATTGCAGCAACACACAGGCCCT[G>A]CAGGTACCATGGTGCCCCCCAGCTACTCCAGCCAGCCTTACCAGAGCACCCACCCTTCTA-3'
Protein context (NP_005111.2, residues 1950-1970): HVGLQQHTGP[Ala1960Thr]GTMVPPSYSS